The following is an entry in ClinVar:

NM_000081.4(LYST):c.4590A>T (p.Arg1530Ser)

Gene: LYST (lysosomal trafficking regulator; minus strand). Cytogenetic location: 1q42.3.
Variant type: single nucleotide variant.
Coding change: c.4590A>T on transcript NM_000081.4 (MANE Select); coding-DNA position 4590, A replaced by T.
Protein change: p.Arg1530Ser; replaces arginine 1530 with serine.
Molecular consequence: missense variant.
Genome position (GRCh38, 1-based): chr1:235,788,799, T>A on the plus strand (A>T on the coding strand, the complement: LYST is on the minus strand). VCF-style: chr1-235788799-T-A. GRCh37 (hg19) VCF-style: chr1-235952099-T-A.
Other names: c.4590A>T, p.Arg1530Ser (NM_001301365.1); c.4590A>T (NM_000081.2); short protein forms R1530S.
Identifiers: ClinVar variation 2063435 (VCV002063435.5), dbSNP rs1271864056, ClinGen allele CA344958360.
Genomic context (GRCh38, chr1:235,788,799, plus strand): 5'-TTGGATCATCAACGCTTTGGATCCCAGTGAAATTATATGAATACATCCTTCTTCTATGAG[T>A]CTTTCACCAGGATTTATGTACTCTGCACCTTCTGGTCTGTCGCTCTCTATAAGAAAAAGA-3'
Protein context (NP_000072.2, residues 1520-1540): EGAEYINPGE[Arg1530Ser]LIEEGCIHII

ClinVar aggregate classification (germline): Uncertain significance. Review status: criteria provided, multiple submitters, no conflicts (2 of 4 stars). 2 submissions from 2 submitters: Uncertain significance (2). Last evaluated 2025-09-17.

Conditions:
Inborn genetic diseases. Identifiers: MedGen C0950123, MeSH D030342.
Chédiak-Higashi syndrome (CHS). Also called: Chediak-Higashi Syndrome. Identifiers: Orphanet 167, MedGen C0007965, MONDO:0008963, OMIM 214500.

Allele frequency attached by ClinVar (database versions not stated): gnomAD exomes 0.00001.
gnomAD v4.1: 11 of 1,613,406 alleles (0.00068%); highest among the groups gnomAD compares: Non-Finnish European, 0.00093%; no homozygotes.

Submissions (2):

Labcorp Genetics (formerly Invitae), Labcorp
Classification: Uncertain significance for Chédiak-Higashi syndrome. Last evaluated: 2025-09-17. Review status: criteria provided, single submitter. Criteria: Invitae Variant Classification Sherloc (09022015). Collection method: clinical testing. Allele origin: germline.
Comment: This sequence change replaces arginine, which is basic and polar, with serine, which is neutral and polar, at codon 1530 of the LYST protein (p.Arg1530Ser). This variant is present in population databases (no rsID available, gnomAD 0.002%). This variant has not been reported in the literature in individuals affected with LYST-related conditions. ClinVar contains an entry for this variant (Variation ID: 2063435). Invitae Evidence Modeling of protein sequence and biophysical properties (such as structural, functional, and spatial information, amino acid conservation, physicochemical variation, residue mobility, and thermodynamic stability) indicates that this missense variant is not expected to disrupt LYST protein function with a negative predictive value of 80%. In summary, the available evidence is currently insufficient to determine the role of this variant in disease. Therefore, it has been classified as a Variant of Uncertain Significance.

Ambry Genetics
Classification: Uncertain significance for Inborn genetic diseases. Last evaluated: 2025-02-26. Review status: criteria provided, single submitter. Criteria: Ambry Variant Classification Scheme 2023. Collection method: clinical testing. Allele origin: germline.